The following is an entry in ClinVar:

ClinVar aggregate classification (germline): Likely pathogenic. Review status: criteria provided, multiple submitters, no conflicts (2 of 4 stars). 5 submissions from 5 submitters: Likely pathogenic (3). 2 of the submissions do not count toward it. Last evaluated 2026-03-18.

Conditions:
Fetal anomalies with a likely genetic cause.
Trichohepatoenteric syndrome 1 (THES1). Also called: DIARRHEA, FATAL INFANTILE, WITH TRICHORRHEXIS NODOSA. Identifiers: Orphanet 84064, MedGen C4551982, MONDO:0024541, OMIM 222470.

Submissions (5):

Genetics Laboratory, Great Ormond Street Hospital NHS Foundation Trust, North Thames Genomic Laboratory Hub
Classification: Likely pathogenic for Fetal anomalies with a likely genetic cause. Last evaluated: 2026-03-18. Review status: criteria provided, single submitter. Criteria: ACGS Best Practice Guidelines for Variant Classification in Rare Disease 2024 v1.2. Collection method: clinical testing. Allele origin: germline. Affected: yes.
Comment: PS4_supporting, PM4_moderate, PS3_moderate, PM3_moderate, PP4_supporting

Labcorp Genetics (formerly Invitae), Labcorp
Classification: Likely pathogenic. Last evaluated: 2026-01-12. Review status: criteria provided, single submitter. Criteria: Invitae Variant Classification Sherloc (09022015). Collection method: clinical testing. Allele origin: germline.
Comment: This sequence change falls in intron 24 of the TTC37 gene. It does not directly change the encoded amino acid sequence of the TTC37 protein. RNA analysis indicates that this variant induces altered splicing and likely results in a shortened protein product. This variant is present in population databases (rs746874042, gnomAD 0.009%). This variant has been observed in individuals with trichohepatoenteric syndrome (PMID: 21120949, 35599849). This variant is also known as c.2577-7_-3delTTTTT (p.Asn860_878GluDel). ClinVar contains an entry for this variant (Variation ID: 31236). Studies have shown that this variant results in skipping of exon 25, but is expected to preserve the integrity of the reading-frame (PMID: 21120949). In summary, the currently available evidence indicates that the variant is pathogenic, but additional data are needed to prove that conclusively. Therefore, this variant has been classified as Likely Pathogenic.

ARUP Laboratories, Molecular Genetics and Genomics, ARUP Laboratories
Classification: Likely pathogenic for Trichohepatoenteric syndrome 1. Last evaluated: 2019-12-08. Review status: criteria provided, single submitter. Criteria: ARUP Molecular Germline Variant Investigation Process. Collection method: clinical testing. Allele origin: germline.
Comment: The TTC37 c.2578-7_2578-3delTTTTT variant (rs746874042) is reported in the literature in the compound heterozygous state with another TTC37 variant in at least one individual affected with trichohepatoenteric syndrome-1 (reported as c.2577-7_-3delTTTTT, Fabre 2011). This variant is reported in ClinVar (Variation ID: 31236), and is found in the non-Finnish European population with an allele frequency of 0.012% (15/128584 alleles) in the Genome Aggregation Database. This is an intronic variant that deletes five nucleotides, and computational analyses (Alamut v.2.11) predict that this variant may impact splicing by disrupting the canonical splice acceptor site of intron 24, which is likely to negatively impact gene function. Analysis of patient RNA shows that this variant leads to skipping of exon 25, and the deletion of 19 in-frame amino acids. Based on available information, this variant is considered to be likely pathogenic. References: Fabre A et al. Novel mutations in TTC37 associated with tricho-hepato-enteric syndrome. Hum Mutat. 2011 Mar;32(3):277-81.

Molecular Genetics Laboratory, BC Children's and BC Women's Hospitals
Classification: Pathogenic. Last evaluated: 2018-10-01. Review status: no assertion criteria provided. Criteria: ACMG Guidelines, 2015. Collection method: clinical testing. Allele origin: germline. Affected: yes. Not counted in ClinVar's aggregate classification.

OMIM
Classification: Pathogenic for TRICHOHEPATOENTERIC SYNDROME 1. Last evaluated: 2011-03-01. Review status: no assertion criteria provided. Collection method: literature only. Allele origin: germline. Not counted in ClinVar's aggregate classification.

Literature cited by the submitters: PubMed 21120949 (cited by Labcorp Genetics (formerly Invitae), Labcorp and OMIM); PubMed 35599849 (cited by Labcorp Genetics (formerly Invitae), Labcorp).

NM_014639.4(SKIC3):c.2578-7_2578-3del

Gene: SKIC3 (SKI3 subunit of superkiller complex; minus strand). Cytogenetic location: 5q15.
Variant type: Deletion.
Coding change: c.2578-7_2578-3del on transcript NM_014639.4 (MANE Select); 7 bases into the intron before coding-DNA position 2578 through 3 bases into the intron before coding-DNA position 2578, 5 bases deleted (TTTTT; older notation c.2578-7_2578-3delTTTTT).
Molecular consequence: intron variant.
Genome position (GRCh38, 1-based): chr5:95,516,412-95,516,416, AAAAA deleted on the plus strand (TTTTT on the coding strand, the reverse complement: SKIC3 is on the minus strand); deleting any 5 consecutive bases within chr5:95,516,412-95,516,417 gives the same sequence; the c. name uses the placement nearest the transcript's 3' end. VCF-style (leftmost placement, unchanged base first): chr5-95516411-TAAAAA-T. GRCh37 (hg19) VCF-style: chr5-94852115-TAAAAA-T.
Other names: SKIC3, IVS24, 5-BP DEL, -7; c.2578-7_2578-3delTTTTT (NM_014639.3).
Identifiers: ClinVar variation 31236 (VCV000031236.15), dbSNP rs746874042, ClinGen allele CA3347028.